The following is an entry in ClinVar:

NM_002291.3(LAMB1):c.3973T>C (p.Phe1325Leu)

Gene: LAMB1 (laminin subunit beta 1; minus strand). Cytogenetic location: 7q31.1.
Variant type: single nucleotide variant.
Coding change: c.3973T>C on transcript NM_002291.3 (MANE Select); coding-DNA position 3973, T replaced by C.
Protein change: p.Phe1325Leu; replaces phenylalanine 1325 with leucine.
Molecular consequence: missense variant.
Genome position (GRCh38, 1-based): chr7:107,935,630, A>G on the plus strand (T>C on the coding strand, the complement: LAMB1 is on the minus strand). VCF-style: chr7-107935630-A-G. GRCh37 (hg19) VCF-style: chr7-107576075-A-G.
Other names: short protein forms F1325L.
Identifiers: ClinVar variation 4764694 (VCV004764694.1).
Genomic context (GRCh38, chr7:107,935,630, plus strand): 5'-TGCTGTTGGGTTCTGTGGTGGAGGCATTCACCCTCTCCTCTGCCTCAAGAGACATCTGGA[A>G]ATACTTGGTAATGCTATCCAAGGCACCTAGGGTAGGAAATGAAATTGCCCACAGTTAACC-3'
Protein context (NP_002282.2, residues 1315-1335): RGALDSITKY[Phe1325Leu]QMSLEAEERV

ClinVar aggregate classification (germline): Uncertain significance (1 of 4 stars; one submission).

Submission:

Labcorp Genetics (formerly Invitae), Labcorp
Classification: Uncertain significance. Last evaluated: 2025-08-18. Review status: criteria provided, single submitter. Criteria: Invitae Variant Classification Sherloc (09022015). Collection method: clinical testing. Allele origin: germline.
Comment: This sequence change replaces phenylalanine, which is neutral and non-polar, with leucine, which is neutral and non-polar, at codon 1325 of the LAMB1 protein (p.Phe1325Leu). This variant is not present in population databases (gnomAD no frequency). This variant has not been reported in the literature in individuals affected with LAMB1-related conditions. An algorithm developed to predict the effect of missense changes on protein structure and function (PolyPhen-2) suggests that this variant is likely to be tolerated. In summary, the available evidence is currently insufficient to determine the role of this variant in disease. Therefore, it has been classified as a Variant of Uncertain Significance.